The following is an entry in ClinVar:

ClinVar aggregate classification (germline): Uncertain significance. Review status: criteria provided, multiple submitters, no conflicts (2 of 4 stars). 6 submissions from 6 submitters: Uncertain significance (6). Last evaluated 2026-05-05.

Conditions:
DHCR7-related disorder. Also called: DHCR7-related condition.
Inborn genetic diseases. Identifiers: MedGen C0950123, MeSH D030342.
Smith-Lemli-Opitz syndrome (SLOS). Also called: POLYDACTYLY, SEX REVERSAL, RENAL HYPOPLASIA, AND UNILOBAR LUNG; RSH SYNDROME; RUTLEDGE LETHAL MULTIPLE CONGENITAL ANOMALY SYNDROME; LETHAL ACRODYSGENITAL SYNDROME; 7-Dehydrocholesterol reductase deficiency. Identifiers: Orphanet 818, MedGen C0175694, MONDO:0010035, OMIM 270400.

Allele frequency attached by ClinVar (database versions not stated): gnomAD 0.00001; gnomAD exomes 0.00004 and 0.00011; TOPMed 0.00004; ExAC 0.00010.

Submissions (6):

PreventionGenetics, part of Exact Sciences
Classification: Uncertain significance for DHCR7-related condition. Last evaluated: 2026-05-05. Review status: criteria provided, single submitter. Criteria: ACMG Guidelines, 2015. Collection method: clinical testing. Allele origin: germline.
Comment: The DHCR7 c.1225G>A variant is predicted to result in the amino acid substitution p.Val409Ile. To our knowledge, this variant has not been reported in the literature. This variant is reported in 0.049% of alleles in individuals of South Asian descent in gnomAD. At this time, the clinical significance of this variant is uncertain due to the absence of conclusive functional and genetic evidence.

Labcorp Genetics (formerly Invitae), Labcorp
Classification: Uncertain significance for Smith-Lemli-Opitz syndrome. Last evaluated: 2025-02-03. Review status: criteria provided, single submitter. Criteria: Invitae Variant Classification Sherloc (09022015). Collection method: clinical testing. Allele origin: germline.
Comment: This sequence change replaces valine, which is neutral and non-polar, with isoleucine, which is neutral and non-polar, at codon 409 of the DHCR7 protein (p.Val409Ile). This variant is present in population databases (rs757861528, gnomAD 0.05%). This variant has not been reported in the literature in individuals affected with DHCR7-related conditions. ClinVar contains an entry for this variant (Variation ID: 500337). Invitae Evidence Modeling of protein sequence and biophysical properties (such as structural, functional, and spatial information, amino acid conservation, physicochemical variation, residue mobility, and thermodynamic stability) indicates that this missense variant is not expected to disrupt DHCR7 protein function with a negative predictive value of 95%. In summary, the available evidence is currently insufficient to determine the role of this variant in disease. Therefore, it has been classified as a Variant of Uncertain Significance.

Ambry Genetics
Classification: Uncertain significance for Inborn genetic diseases. Last evaluated: 2024-06-25. Review status: criteria provided, single submitter. Criteria: Ambry Variant Classification Scheme 2023. Collection method: clinical testing. Allele origin: germline.

Fulgent Genetics
Classification: Uncertain significance for Smith-Lemli-Opitz syndrome. Last evaluated: 2024-05-20. Review status: criteria provided, single submitter. Criteria: ACMG Guidelines, 2015. Collection method: clinical testing. Allele origin: germline.

GeneDx
Classification: Uncertain significance. Last evaluated: 2023-07-07. Review status: criteria provided, single submitter. Criteria: GeneDx Variant Classification Process June 2021. Collection method: clinical testing. Allele origin: germline. Affected: yes.
Comment: In silico analysis supports that this missense variant does not alter protein structure/function; Has not been previously published as pathogenic or benign to our knowledge

Eurofins Ntd Llc (ga)
Classification: Uncertain significance. Last evaluated: 2017-02-20. Review status: criteria provided, single submitter. Criteria: EGL Classification Definitions 2015. Collection method: clinical testing. Allele origin: germline. Observed: 1 variant allele, 1 heterozygote.

NM_001360.3(DHCR7):c.1225G>A (p.Val409Ile)

Gene: DHCR7 (7-dehydrocholesterol reductase; minus strand). Cytogenetic location: 11q13.4.
Variant type: single nucleotide variant.
Coding change: c.1225G>A on transcript NM_001360.3 (MANE Select); coding-DNA position 1225, G replaced by A.
Protein change: p.Val409Ile; replaces valine 409 with isoleucine.
Molecular consequence: missense variant.
Genome position (GRCh38, 1-based): chr11:71,435,578, C>T on the plus strand (G>A on the coding strand, the complement: DHCR7 is on the minus strand). VCF-style: chr11-71435578-C-T. GRCh37 (hg19) VCF-style: chr11-71146624-C-T.
Other names: c.1225G>A, p.Val409Ile (NM_001163817.2); short protein forms V409I.
Identifiers: ClinVar variation 500337 (VCV000500337.14), dbSNP rs757861528, ClinGen allele CA6162282.
Genomic context (GRCh38, chr11:71,435,578, plus strand): 5'-GCAGCAGGTGGCCGCCGCCACAGGCCAGGCAGTAGGCCAGGCTGCCCATCAGGTCGCCGA[C>T]GTAGTTGAAGTGGCGGGCCACGCCCCAGAAGCCCGACACCAGCAGCTTGCTGTGGTGCCT-3'
Protein context (NP_001351.2, residues 399-419): FWGVARHFNY[Val409Ile]GDLMGSLAYC